The following is an entry in ClinVar:

NM_000283.4(PDE6B):c.2068C>T (p.Gln690Ter)

Gene: PDE6B (phosphodiesterase 6B; plus strand). Cytogenetic location: 4p16.3.
Variant type: single nucleotide variant.
Coding change: c.2068C>T on transcript NM_000283.4 (MANE Select); coding-DNA position 2068, C replaced by T.
Protein change: p.Gln690Ter; replaces glutamine 690 with a stop codon.
Molecular consequence: nonsense.
Genome position (GRCh38, 1-based): chr4:664,160, C>T. VCF-style: chr4-664160-C-T. GRCh37 (hg19) VCF-style: chr4-657949-C-T.
Other names: c.2068C>T, p.Gln690Ter (NM_001145291.2); c.1231C>T, p.Gln411Ter (NM_001145292.2, NM_001350154.3, NM_001379246.1 and 1 more transcripts); c.913C>T, p.Gln305Ter (NM_001350155.3); short protein forms Q305*, Q411*, Q690*.
Identifiers: ClinVar variation 3775383 (VCV003775383.2).

ClinVar aggregate classification (germline): Likely pathogenic. Review status: criteria provided, multiple submitters, no conflicts (2 of 4 stars). 2 submissions from 2 submitters: Likely pathogenic (2). Last evaluated 2023-12-05.

Conditions:
PDE6B-related disorder. Also called: PDE6B-related disease; PDE6B-related condition; PDE6B-related disorders.
Retinitis pigmentosa 40 (RP40). Identifiers: Orphanet 791, MedGen C3151107, MONDO:0013429, OMIM 613801.

gnomAD v4.1: 10 of 1,612,342 alleles (0.00062%); highest among the groups gnomAD compares: Non-Finnish European, 0.00076%; no homozygotes.

Submissions (2):

3billion
Classification: Likely pathogenic for Retinitis pigmentosa 40. Last evaluated: 2023-12-05. Review status: criteria provided, single submitter. Criteria: ACMG Guidelines, 2015. Collection method: clinical testing. Allele origin: germline. Affected: yes.
Comment: The variant is not observed in the gnomAD v2.1.1 dataset. Predicted Consequence/Location: Stop-gained (nonsense): predicted to result in a loss or disruption of normal protein function through nonsense-mediated decay (NMD) or protein truncation. Multiple pathogenic variants are reported downstream of the variant. Therefore, this variant is classified as Likely pathogenic according to the recommendation of ACMG/AMP guideline.

Blueprint Genetics
Classification: Likely pathogenic for PDE6B-related disorders. Last evaluated: 2023-02-20. Review status: criteria provided, single submitter. Criteria: ACMG Guidelines, 2015. Collection method: clinical testing. Allele origin: germline. Affected: yes. Observed: 1 variant allele.